The following is an entry in ClinVar:

ClinVar aggregate classification (germline): Uncertain significance. Review status: criteria provided, multiple submitters, no conflicts (2 of 4 stars). 2 submissions from 2 submitters: Uncertain significance (2). Last evaluated 2024-09-01.

Submissions (2):

Ambry Genetics
Classification: Uncertain significance. Last evaluated: 2024-09-01. Review status: criteria provided, single submitter. Criteria: Ambry Variant Classification Scheme 2023. Collection method: clinical testing. Allele origin: germline.

Labcorp Genetics (formerly Invitae), Labcorp
Classification: Uncertain significance. Last evaluated: 2022-05-27. Review status: criteria provided, single submitter. Criteria: Invitae Variant Classification Sherloc (09022015). Collection method: clinical testing. Allele origin: germline.
Comment: In summary, the available evidence is currently insufficient to determine the role of this variant in disease. Therefore, it has been classified as a Variant of Uncertain Significance. Algorithms developed to predict the effect of missense changes on protein structure and function are either unavailable or do not agree on the potential impact of this missense change (SIFT: "Not Available"; PolyPhen-2: "Benign"; Align-GVGD: "Not Available"). This variant has not been reported in the literature in individuals affected with CEP250-related conditions. This variant is not present in population databases (gnomAD no frequency). This sequence change replaces methionine, which is neutral and non-polar, with isoleucine, which is neutral and non-polar, at codon 1316 of the CEP250 protein (p.Met1316Ile).

NM_007186.6(CEP250):c.3948G>A (p.Met1316Ile)

Gene: CEP250 (centrosomal protein 250; plus strand). Cytogenetic location: 20q11.22.
Variant type: single nucleotide variant.
Coding change: c.3948G>A on transcript NM_007186.6 (MANE Select); coding-DNA position 3948, G replaced by A.
Protein change: p.Met1316Ile; replaces methionine 1316 with isoleucine.
Molecular consequence: missense variant.
Genome position (GRCh38, 1-based): chr20:35,501,894, G>A. VCF-style: chr20-35501894-G-A. GRCh37 (hg19) VCF-style: chr20-34089721-G-A.
Other names: c.3948G>A (NM_007186.3); c.2052G>A, p.Met684Ile (NM_001318219.1); short protein forms M684I, M1316I.
Identifiers: ClinVar variation 1959942 (VCV001959942.6), dbSNP rs2516206497, ClinGen allele CA408746549.